The following is an entry in ClinVar:

ClinVar aggregate classification (germline): Uncertain significance (1 of 4 stars; one submission).

Conditions:
Hereditary cancer-predisposing syndrome. Also called: Neoplastic Syndromes, Hereditary; Tumor predisposition; Hereditary neoplastic syndrome; Hereditary Cancer Syndrome. Identifiers: Orphanet 140162, MedGen C0027672, MeSH D009386, MONDO:0015356.

gnomAD v4.1: 2 of 1,606,332 alleles (0.00012%); highest among the groups gnomAD compares: Non-Finnish European, 0.00017%; no homozygotes.

Submission:

Ambry Genetics
Classification: Uncertain significance for Hereditary cancer-predisposing syndrome. Last evaluated: 2026-08-11. Review status: criteria provided, single submitter. Criteria: Ambry Variant Classification Scheme 2023. Collection method: clinical testing. Allele origin: germline.
Comment: The p.R16S variant (also known as c.48G>C), located in coding exon 1 of the NF2 gene, results from a G to C substitution at nucleotide position 48. The arginine at codon 16 is replaced by serine, an amino acid with dissimilar properties. This amino acid position is conserved. In addition, the in silico prediction for this alteration is inconclusive. Based on the available evidence, the clinical significance of this variant remains unclear.

NM_000268.4(NF2):c.48G>C (p.Arg16Ser)

Gene: NF2 (NF2, moesin-ezrin-radixin like (MERLIN) tumor suppressor; plus strand). Cytogenetic location: 22q12.2.
Variant type: single nucleotide variant.
Coding change: c.48G>C on transcript NM_000268.4 (MANE Select); coding-DNA position 48, G replaced by C.
Protein change: p.Arg16Ser; replaces arginine 16 with serine.
Molecular consequence: missense variant. On other transcripts: non-coding transcript variant (1), 5 prime UTR variant (4).
Genome position (GRCh38, 1-based): chr22:29,604,046, G>C. VCF-style: chr22-29604046-G-C. GRCh37 (hg19) VCF-style: chr22-30000035-G-C.
Other names: c.48G>C, p.Arg16Ser (NM_181831.3, NM_181832.3, NM_181833.3 and 15 more transcripts); c.-183G>C (NM_001407053.1, NM_001407056.1); c.-593G>C (NM_001407065.1); c.-209G>C (NM_001407067.1); short protein forms R16S.
Identifiers: ClinVar variation 5025708 (VCV005025708.1).
Genomic context (GRCh38, chr22:29,604,046, plus strand): 5'-TGAGCCCCGCGCCATGGCCGGGGCCATCGCTTCCCGCATGAGCTTCAGCTCTCTCAAGAG[G>C]AAGCAACCCAAGACGTTCACCGTGAGGATCGTCACCATGGACGCCGAGATGGAGTTCAAT-3'
Protein context (NP_000259.1, residues 6-26): ASRMSFSSLK[Arg16Ser]KQPKTFTVRI